The following is an entry in ClinVar:

NM_013275.6(ANKRD11):c.4817A>G (p.Lys1606Arg)

Gene: ANKRD11 (ankyrin repeat domain containing 11; minus strand). Cytogenetic location: 16q24.3.
Variant type: single nucleotide variant.
Coding change: c.4817A>G on transcript NM_013275.6 (MANE Select); coding-DNA position 4817, A replaced by G.
Protein change: p.Lys1606Arg; replaces lysine 1606 with arginine.
Molecular consequence: missense variant.
Genome position (GRCh38, 1-based): chr16:89,281,725, T>C on the plus strand (A>G on the coding strand, the complement: ANKRD11 is on the minus strand). VCF-style: chr16-89281725-T-C. GRCh37 (hg19) VCF-style: chr16-89348133-T-C.
Other names: c.4817A>G, p.Lys1606Arg (NM_001256182.2, NM_001256183.2); short protein forms K1606R.
Identifiers: ClinVar variation 3359922 (VCV003359922.1).
Genomic context (GRCh38, chr16:89,281,725, plus strand): 5'-GGCTTCGCCTTCTCCTTGAGCTTGGGGTCTCCGGACCGGTGCCTCAGCTTCTCCATTTGC[T>C]TCATCCTCTCCTTGTGCCGCTTGTGGCGCTCCTCGATCTCCAGGTCCTTCTGGGACAGCA-3'
Protein context (NP_037407.4, residues 1596-1616): ERHKRHKERM[Lys1606Arg]QMEKLRHRSG

ClinVar aggregate classification (germline): Uncertain significance (1 of 4 stars; one submission).

Submission:

GeneDx
Classification: Uncertain significance. Last evaluated: 2023-06-14. Review status: criteria provided, single submitter. Criteria: GeneDx Variant Classification Process June 2021. Collection method: clinical testing. Allele origin: germline. Affected: yes.
Comment: Not observed at significant frequency in large population cohorts (gnomAD); In silico analysis supports that this missense variant does not alter protein structure/function; Has not been previously published as pathogenic or benign to our knowledge